The following is an entry in ClinVar:

ClinVar aggregate classification (germline): Uncertain significance (1 of 4 stars; one submission).

Conditions:
Malignant hyperthermia, susceptibility to, 1 (MHS1). Also called: RYR1-Related Malignant Hyperthermia Susceptibility; Malignant hyperthermia suceptibility 1; Anesthesia related hyperthermia; Malignant hyperpyrexia; Fulminating hyperpyrexia; Pharmacogenic myopathy. Identifiers: Orphanet 423, MedGen C2930980, MONDO:0007783, OMIM 145600.

gnomAD v4.1: 1 of 1,562,580 alleles (0.000064%); no homozygotes.

Submission:

Color Diagnostics, LLC DBA Color Health
Classification: Uncertain significance for Malignant hyperthermia, susceptibility to, 1. Last evaluated: 2025-09-12. Review status: criteria provided, single submitter. Criteria: ACMG Guidelines, 2015. Collection method: clinical testing. Allele origin: germline.
Comment: This missense variant replaces proline with threonine at codon 1632 of the RYR1 protein. Computational prediction suggests that this variant may have deleterious impact on protein structure and function. To our knowledge, functional studies have not been reported for this variant. This variant has not been reported in individuals affected with RYR1-related disorders in the literature. This variant has not been identified in the general population by the Genome Aggregation Database (gnomAD). The available evidence is insufficient to determine the role of this variant in disease conclusively. Therefore, this variant is classified as a Variant of Uncertain Significance.

NM_000540.3(RYR1):c.4894C>A (p.Pro1632Thr)

Gene: RYR1 (ryanodine receptor 1; plus strand). Cytogenetic location: 19q13.2.
Variant type: single nucleotide variant.
Coding change: c.4894C>A on transcript NM_000540.3 (MANE Select); coding-DNA position 4894, C replaced by A.
Protein change: p.Pro1632Thr; replaces proline 1632 with threonine.
Molecular consequence: missense variant.
Genome position (GRCh38, 1-based): chr19:38,483,476, C>A. VCF-style: chr19-38483476-C-A. GRCh37 (hg19) VCF-style: chr19-38974116-C-A.
Other names: c.4894C>A, p.Pro1632Thr (NM_001042723.2); short protein forms P1632T.
Identifiers: ClinVar variation 4756392 (VCV004756392.1).